The following is an entry in ClinVar:

ClinVar aggregate classification (germline): Uncertain significance (1 of 4 stars; one submission).

Conditions:
Inborn genetic diseases. Identifiers: MedGen C0950123, MeSH D030342.

Allele frequency attached by ClinVar (database versions not stated): ExAC 0.00012; 1000 Genomes Project 30x 0.00016; 1000 Genomes Project 0.00020; gnomAD 0.00022; TOPMed 0.00035.
gnomAD v4.1: 60 of 1,453,000 alleles (0.0041%); highest among the groups gnomAD compares: African/African-American, 0.062%; no homozygotes.

Submission:

Ambry Genetics
Classification: Uncertain significance for Inborn genetic diseases. Last evaluated: 2022-07-08. Review status: criteria provided, single submitter. Criteria: Ambry Variant Classification Scheme 2023. Collection method: clinical testing. Allele origin: germline.
Comment: The c.2019-5C>T intronic alteration consists of a C to T substitution 5 nucleotides before coding exon 19 in the TBC1D23 gene. Based on insufficient or conflicting evidence, the clinical significance of this alteration remains unclear.

NM_001199198.3(TBC1D23):c.2019-5C>T

Gene: TBC1D23 (TBC1 domain family member 23; plus strand). Cytogenetic location: 3q12.2.
Variant type: single nucleotide variant.
Coding change: c.2019-5C>T on transcript NM_001199198.3 (MANE Select); 5 bases into the intron before coding-DNA position 2019, C replaced by T.
Molecular consequence: intron variant.
Genome position (GRCh38, 1-based): chr3:100,323,582, C>T. VCF-style: chr3-100323582-C-T. GRCh37 (hg19) VCF-style: chr3-100042426-C-T.
Other names: c.1974-5C>T (NM_018309.5).
Identifiers: ClinVar variation 2277785 (VCV002277785.2), dbSNP rs188500566, ClinGen allele CA2514920.
Genomic context (GRCh38, chr3:100,323,582, plus strand): 5'-TATTTTTATATACATATACATATGTATATATATATGTATATATATGTATTTTTTTTCCCC[C>T]TTAGGTATTTGATTCCAAATGCAGGGGATGCAACTAAAGCCATAAAACAGCAGATCATGA-3'